The following is an entry in ClinVar:

ClinVar aggregate classification (germline): Uncertain significance (1 of 4 stars; one submission).

Conditions:
Autosomal recessive limb-girdle muscular dystrophy type 2J (LGMDR10). Also called: Limb-girdle muscular dystrophy, type 2J; MUSCULAR DYSTROPHY, LIMB-GIRDLE, AUTOSOMAL RECESSIVE 10. Identifiers: Orphanet 140922, MedGen C1837342, MONDO:0012127, OMIM 608807.
Dilated cardiomyopathy 1G (CMD1G). Identifiers: Orphanet 154, MedGen C1858763, MONDO:0011400, OMIM 604145.

Submission:

Labcorp Genetics (formerly Invitae), Labcorp
Classification: Uncertain significance for Dilated cardiomyopathy 1G; Autosomal recessive limb-girdle muscular dystrophy type 2J. Last evaluated: 2025-05-06. Review status: criteria provided, single submitter. Criteria: Invitae Variant Classification Sherloc (09022015). Collection method: clinical testing. Allele origin: germline.
Comment: This sequence change replaces asparagine, which is neutral and polar, with serine, which is neutral and polar, at codon 35949 of the TTN protein (p.Asn35949Ser). This variant is not present in population databases (gnomAD no frequency). This variant has not been reported in the literature in individuals affected with TTN-related conditions. Experimental studies and prediction algorithms are not available or were not evaluated, and the functional significance of this variant is currently unknown. This variant is located in the M band of TTN (PMID: 25589632). Non-truncating variants in this region may be relevant for neuromuscular disorders, but have not been definitively shown to cause cardiomyopathy (PMID: 23975875). In summary, the available evidence is currently insufficient to determine the role of this variant in disease. Therefore, it has been classified as a Variant of Uncertain Significance.

Literature cited by the submitters: PubMed 25589632; PubMed 23975875.

NM_001267550.2(TTN):c.107846A>G (p.Asn35949Ser)

Genes: TTN-AS1 (TTN antisense RNA 1; plus strand), TTN (titin; minus strand). Cytogenetic location: 2q31.2.
Variant type: single nucleotide variant.
Coding change: c.107846A>G on transcript NM_001267550.2 (MANE Select); coding-DNA position 107846, A replaced by G.
Protein change: p.Asn35949Ser; replaces asparagine 35949 with serine.
Molecular consequence: missense variant.
Genome position (GRCh38, 1-based): chr2:178,527,142, T>C on the plus strand (A>G on the coding strand, the complement: TTN is on the minus strand). VCF-style: chr2-178527142-T-C. GRCh37 (hg19) VCF-style: chr2-179391869-T-C.
Other names: c.102923A>G, p.Asn34308Ser (NM_001256850.1); c.80651A>G, p.Asn26884Ser (NM_003319.4); c.100142A>G, p.Asn33381Ser (NM_133378.4); c.81026A>G, p.Asn27009Ser (NM_133432.3); c.81227A>G, p.Asn27076Ser (NM_133437.4); short protein forms N27009S, N33381S, N34308S, N26884S, N27076S, N35949S.
Identifiers: ClinVar variation 4784921 (VCV004784921.1).